The following is an entry in ClinVar:

NM_004360.5(CDH1):c.1906_1907insA (p.Ala636fs)

Gene: CDH1 (cadherin 1; plus strand). Cytogenetic location: 16q22.1.
Variant type: Insertion.
Coding change: c.1906_1907insA on transcript NM_004360.5 (MANE Select); coding-DNA positions 1906 to 1907, A inserted.
Protein change: p.Ala636fs; shifts the reading frame from alanine 636.
Molecular consequence: frameshift variant. On other transcripts: 5 prime UTR variant (1).
Genome position: GRCh38 VCF-style: chr16-68822195-G-GA. GRCh37 (hg19) VCF-style: chr16-68856098-G-GA.
Other names: c.1723_1724insA, p.Ala575fs (NM_001317184.2); c.358_359insA, p.Ala120fs (NM_001317185.2); c.-60_-59insA (NM_001317186.2); short protein forms A120fs, A575fs, A636fs.
Identifiers: ClinVar variation 2502982 (VCV002502982.1), dbSNP rs2543942891, ClinGen allele CA2580612879.

ClinVar aggregate classification (germline): Pathogenic (1 of 4 stars; one submission).

Conditions:
Hereditary diffuse gastric adenocarcinoma (HDGC). Also called: DIFFUSE GASTRIC AND LOBULAR BREAST CANCER SYNDROME. Identifiers: Orphanet 26106, MedGen C1708349, MONDO:0007648, OMIM 137215.

Submission:

European Reference Network on Genetic Tumour Risk Syndromes (ERN-GENTURIS), i3s - Instituto de Investigação e Inovação em Saúde, University of Porto
Classification: Pathogenic for Hereditary diffuse gastric adenocarcinoma. Last evaluated: 2022-08-01. Review status: criteria provided, single submitter. Criteria: Lee et al. (Hum Mutat. 2018). Collection method: clinical testing. Allele origin: germline. Inheritance: Autosomal dominant inheritance. Affected: yes. Study: ERN GENTURIS.
Comment: PVS1; PS4_Supporting; PM2 (PMID: 30311375)

Literature cited by the submitters: PubMed 36436516.